The following is an entry in ClinVar:

NM_001042492.3(NF1):c.2113G>A (p.Val705Ile)

Gene: NF1 (neurofibromin 1; plus strand). Cytogenetic location: 17q11.2.
Variant type: single nucleotide variant.
Coding change: c.2113G>A on transcript NM_001042492.3 (MANE Select); coding-DNA position 2113, G replaced by A.
Protein change: p.Val705Ile; replaces valine 705 with isoleucine.
Molecular consequence: missense variant.
Genome position (GRCh38, 1-based): chr17:31,226,546, G>A. VCF-style: chr17-31226546-G-A. GRCh37 (hg19) VCF-style: chr17-29553564-G-A.
Other names: c.2113G>A, p.Val705Ile (NM_000267.4); short protein forms V705I.
Identifiers: ClinVar variation 5025559 (VCV005025559.1).
Genomic context (GRCh38, chr17:31,226,546, plus strand): 5'-ACCAAACTAGAAGTGGCCCTGTACATGTTTCTGTGGAACCCTGACACTGAAGCTGTTCTG[G>A]TTGCCATGTCCTGTTTCCGCCACCTCTGTGAGGAAGCAGATATCCGGTGTGGGGTGGATG-3'
Protein context (NP_001035957.1, residues 695-715): LWNPDTEAVL[Val705Ile]AMSCFRHLCE

ClinVar aggregate classification (germline): Uncertain significance (1 of 4 stars; one submission).

Conditions:
Cardiovascular phenotype. Identifiers: MedGen CN230736.
Hereditary cancer-predisposing syndrome. Also called: Neoplastic Syndromes, Hereditary; Tumor predisposition; Hereditary neoplastic syndrome; Hereditary Cancer Syndrome. Identifiers: Orphanet 140162, MedGen C0027672, MeSH D009386, MONDO:0015356.

Submission:

Ambry Genetics
Classification: Uncertain significance for Cardiovascular phenotype; Hereditary cancer-predisposing syndrome. Last evaluated: 2026-07-12. Review status: criteria provided, single submitter. Criteria: Ambry Variant Classification Scheme 2023. Collection method: clinical testing. Allele origin: germline.
Comment: The p.V705I variant (also known as c.2113G>A), located in coding exon 18 of the NF1 gene, results from a G to A substitution at nucleotide position 2113. The valine at codon 705 is replaced by isoleucine, an amino acid with highly similar properties. This amino acid position is conserved. In addition, this alteration is predicted to be tolerated by in silico analysis. Based on the available evidence, the clinical significance of this variant remains unclear.